The following is an entry in ClinVar:

ClinVar aggregate classification (germline): Uncertain significance. Review status: criteria provided, multiple submitters, no conflicts (2 of 4 stars). 2 submissions from 2 submitters: Uncertain significance (2). Last evaluated 2025-08-29.

Conditions:
Inborn genetic diseases. Identifiers: MedGen C0950123, MeSH D030342.
MOGS-congenital disorder of glycosylation. Also called: MOGS-CDG; GLUCOSIDASE I DEFICIENCY; CDG IIb; CDG 2B. Identifiers: Orphanet 79330, MedGen C1853736, MONDO:0011629, OMIM 606056.

Allele frequency attached by ClinVar (database versions not stated): gnomAD 0.00001 and 0.00003; TOPMed 0.00001; ExAC 0.00003; gnomAD exomes 0.00004.

Submissions (2):

Ambry Genetics
Classification: Uncertain significance for Inborn genetic diseases. Last evaluated: 2025-08-29. Review status: criteria provided, single submitter. Criteria: Ambry Variant Classification Scheme 2023. Collection method: clinical testing. Allele origin: germline.

Labcorp Genetics (formerly Invitae), Labcorp
Classification: Uncertain significance for MOGS-congenital disorder of glycosylation. Last evaluated: 2022-07-11. Review status: criteria provided, single submitter. Criteria: Invitae Variant Classification Sherloc (09022015). Collection method: clinical testing. Allele origin: germline.
Comment: This sequence change replaces arginine, which is basic and polar, with histidine, which is basic and polar, at codon 371 of the MOGS protein (p.Arg371His). This variant is present in population databases (rs771053284, gnomAD 0.02%). This variant has not been reported in the literature in individuals affected with MOGS-related conditions. ClinVar contains an entry for this variant (Variation ID: 841241). Algorithms developed to predict the effect of missense changes on protein structure and function output the following: SIFT: "Tolerated"; PolyPhen-2: "Benign"; Align-GVGD: "Class C0". The histidine amino acid residue is found in multiple mammalian species, which suggests that this missense change does not adversely affect protein function. In summary, the available evidence is currently insufficient to determine the role of this variant in disease. Therefore, it has been classified as a Variant of Uncertain Significance.

NM_006302.3(MOGS):c.1112G>A (p.Arg371His)

Gene: MOGS (mannosyl-oligosaccharide glucosidase; minus strand). Cytogenetic location: 2p13.1.
Variant type: single nucleotide variant.
Coding change: c.1112G>A on transcript NM_006302.3 (MANE Select); coding-DNA position 1112, G replaced by A.
Protein change: p.Arg371His; replaces arginine 371 with histidine.
Molecular consequence: missense variant.
Genome position (GRCh38, 1-based): chr2:74,462,677, C>T on the plus strand (G>A on the coding strand, the complement: MOGS is on the minus strand). VCF-style: chr2-74462677-C-T. GRCh37 (hg19) VCF-style: chr2-74689804-C-T.
Other names: c.794G>A, p.Arg265His (NM_001146158.2); short protein forms R265H, R371H.
Identifiers: ClinVar variation 841241 (VCV000841241.7), dbSNP rs771053284, ClinGen allele CA1724848.